The following is an entry in ClinVar:

ClinVar aggregate classification (germline): Likely pathogenic (0 of 4 stars; one submission).

Conditions:
Keratosis follicularis (DAR). Also called: Darier disease; Darier's disease. Identifiers: Orphanet 218, MedGen C0022595, MONDO:0007417, OMIM 124200.

Submission:

Medical Genetics Unit, Mauro Baschirotto Institute for Rare Disease
Classification: Likely pathogenic for Keratosis follicularis. Last evaluated: 2024-06-07. Review status: no assertion criteria provided. Collection method: provider interpretation. Allele origin: germline. Affected: yes. Observed: 1 variant allele.
Comment: The c.689_692del variant has not been published as a pathogenic variant, nor has it been reported as a benign variant to our knowledge. This variant causes a frameshift starting with codon Thr 230, changes this amino acid to a Lys residue and creates a premature Stop codon at position 23 of the new reading frame, denoted p.Thr230Lysfs*23.To our knowledge, this variant has not been reported in the literature or in a large population database, indicating this variant is rare. This variant occurs in A-domain. This small deletion gives rise to a frameshift resulting in a premature stop codon and protein truncation. According to Franklin by genoox ACMG classification this null mutation results in a loss of function which is a known mechanism of disease (PVS1 very strong). Therefore, this variant is classified likely pathogenic.

NM_170665.4(ATP2A2):c.689_692del (p.Thr230fs)

Gene: ATP2A2 (ATPase sarcoplasmic/endoplasmic reticulum Ca2+ transporting 2; plus strand). Cytogenetic location: 12q24.11.
Variant type: Deletion.
Coding change: c.689_692del on transcript NM_170665.4 (MANE Select); coding-DNA positions 689 to 692, 4 bases deleted (CCGA; older notation c.689_692delCCGA).
Protein change: p.Thr230fs; shifts the reading frame from threonine 230.
Molecular consequence: frameshift variant.
Genome position (GRCh38, 1-based): chr12:110,327,611-110,327,614, CCGA deleted; deleting any 4 consecutive bases within chr12:110,327,610-110,327,614 gives the same sequence; the c. name uses the placement nearest the transcript's 3' end. VCF-style (leftmost placement, unchanged base first): chr12-110327609-CACCG-C. GRCh37 (hg19) VCF-style: chr12-110765414-CACCG-C.
Other names: c.584_587del, p.Thr195fs (NM_001413013.1); c.689_692del, p.Thr230fs (NM_001413014.1, NM_001681.4); c.314_317del, p.Thr105fs (NM_001413015.1); short protein forms T105fs, T195fs, T230fs.
Identifiers: ClinVar variation 3359257 (VCV003359257.2).